The following is an entry in ClinVar:

ClinVar aggregate classification (germline): Likely benign (1 of 4 stars; one submission).

Conditions:
DNAH9-related disorder. Also called: DNAH9-related condition.

gnomAD v4.1: 74 of 1,614,038 alleles (0.0046%); highest among the groups gnomAD compares: Middle Eastern, 0.016%; no homozygotes.

Submission:

PreventionGenetics, part of Exact Sciences
Classification: Likely benign for DNAH9-related condition. Last evaluated: 2026-05-01. Review status: criteria provided, single submitter. Criteria: ACMG Guidelines, 2015. Collection method: clinical testing. Allele origin: germline.
Comment: This variant is classified as likely benign based on ACMG/AMP sequence variant interpretation guidelines (Richards et al. 2015 PMID: 25741868, with internal and published modifications).

NM_001372.4(DNAH9):c.13049T>C (p.Phe4350Ser)

Gene: DNAH9 (dynein axonemal heavy chain 9; plus strand). Cytogenetic location: 17p12.
Variant type: single nucleotide variant.
Coding change: c.13049T>C on transcript NM_001372.4 (MANE Select); coding-DNA position 13049, T replaced by C.
Protein change: p.Phe4350Ser; replaces phenylalanine 4350 with serine.
Molecular consequence: missense variant.
Genome position (GRCh38, 1-based): chr17:11,962,072, T>C. VCF-style: chr17-11962072-T-C. GRCh37 (hg19) VCF-style: chr17-11865389-T-C.
Other names: c.1985T>C, p.Phe662Ser (NM_004662.2); short protein forms F4350S, F662S.
Identifiers: ClinVar variation 4988863 (VCV004988863.1).